The following is an entry in ClinVar:

NM_002439.5(MSH3):c.2551G>A (p.Val851Ile)

Gene: MSH3 (mutS homolog 3; plus strand). Cytogenetic location: 5q14.1.
Variant type: single nucleotide variant.
Coding change: c.2551G>A on transcript NM_002439.5 (MANE Select); coding-DNA position 2551, G replaced by A.
Protein change: p.Val851Ile; replaces valine 851 with isoleucine.
Molecular consequence: missense variant.
Genome position (GRCh38, 1-based): chr5:80,792,740, G>A. VCF-style: chr5-80792740-G-A. GRCh37 (hg19) VCF-style: chr5-80088559-G-A.
Other names: short protein forms V851I.
Identifiers: ClinVar variation 1717772 (VCV001717772.5), dbSNP rs2112026642, ClinGen allele CA360272837.

ClinVar aggregate classification (germline): Uncertain significance (1 of 4 stars; one submission).

Submission:

Labcorp Genetics (formerly Invitae), Labcorp
Classification: Uncertain significance. Last evaluated: 2022-08-22. Review status: criteria provided, single submitter. Criteria: Invitae Variant Classification Sherloc (09022015). Collection method: clinical testing. Allele origin: germline.
Comment: In summary, the available evidence is currently insufficient to determine the role of this variant in disease. Therefore, it has been classified as a Variant of Uncertain Significance. Algorithms developed to predict the effect of missense changes on protein structure and function (SIFT, PolyPhen-2, Align-GVGD) all suggest that this variant is likely to be tolerated. This variant has not been reported in the literature in individuals affected with MSH3-related conditions. This variant is not present in population databases (gnomAD no frequency). This sequence change replaces valine, which is neutral and non-polar, with isoleucine, which is neutral and non-polar, at codon 851 of the MSH3 protein (p.Val851Ile).